The following is an entry in ClinVar:

ClinVar aggregate classification (germline): Pathogenic. Review status: criteria provided, multiple submitters, no conflicts (2 of 4 stars). 4 submissions from 4 submitters: Pathogenic (4). Last evaluated 2026-01-27.

Conditions:
COL2A1-related disorder. Also called: COL2A1-related condition; COL2A1-related disorders.

Submissions (4):

Labcorp Genetics (formerly Invitae), Labcorp
Classification: Pathogenic. Last evaluated: 2026-01-27. Review status: criteria provided, single submitter. Criteria: Invitae Variant Classification Sherloc (09022015). Collection method: clinical testing. Allele origin: germline.
Comment: This sequence change creates a premature translational stop signal (p.Pro938Leufs*90) in the COL2A1 gene. It is expected to result in an absent or disrupted protein product. Loss-of-function variants in COL2A1 are known to be pathogenic (PMID: 20179744). This variant is not present in population databases (gnomAD no frequency). This premature translational stop signal has been observed in individual(s) with clinical features of Stickler syndrome (PMID: 20179744, 20513134). ClinVar contains an entry for this variant (Variation ID: 265430). For these reasons, this variant has been classified as Pathogenic.

PreventionGenetics, part of Exact Sciences
Classification: Pathogenic for COL2A1-related condition. Last evaluated: 2025-04-07. Review status: criteria provided, single submitter. Criteria: ACMG Guidelines, 2015. Collection method: clinical testing. Allele origin: germline.
Comment: The COL2A1 c.2813delC variant is predicted to result in a frameshift and premature protein termination (p.Pro938Leufs*90). This variant has been reported in an individual with Stickler syndrome (Hoornaert et al. 2010. PubMed ID: 20179744) and in an individual with orofacial clefting (Wurfbain et al. 2023. PubMed ID: 37589029). This variant has not been reported in a large population database, indicating this variant is rare. Frameshift variants in COL2A1 are expected to be pathogenic. This variant is interpreted as pathogenic.

Institute of Medical Genetics and Applied Genomics, University Hospital Tübingen
Classification: Pathogenic. Last evaluated: 2021-02-01. Review status: criteria provided, single submitter. Criteria: ACMG Guidelines, 2015. Collection method: clinical testing. Allele origin: germline. Inheritance: Unknown mechanism. Affected: yes.

GeneDx
Classification: Pathogenic. Last evaluated: 2016-12-21. Review status: criteria provided, single submitter. Criteria: GeneDx Variant Classification (06012015). Collection method: clinical testing. Allele origin: germline. Affected: yes.
Comment: The c.2813delC pathogenic variant in the COL2A1 gene has been reported previously in association with Stickler syndrome (Hoornaert et al., 2010). The c.2813delC variant causes a frameshift starting with codon Proline 938, changes this amino acid to a Leucine residue, and creates a premature Stop codon at position 90 of the new reading frame, denoted p.P938LfsX90. This variant is predicted to cause loss of normal protein function either through protein truncation or nonsense-mediated mRNA decay. The c.2813delC variant was not observed in approximately 6500 individuals of European and African American ancestry in the NHLBI Exome Sequencing Project, indicating it is not a common benign variant in these populations. We interpret c.2813delC as a pathogenic variant.

Literature cited by the submitters: PubMed 20179744 (cited by Labcorp Genetics (formerly Invitae), Labcorp); PubMed 20513134 (cited by Labcorp Genetics (formerly Invitae), Labcorp).

NM_001844.5(COL2A1):c.2813del (p.Pro938fs)

Gene: COL2A1 (collagen type II alpha 1 chain; minus strand). Cytogenetic location: 12q13.11.
Variant type: Deletion.
Coding change: c.2813del on transcript NM_001844.5 (MANE Select); coding-DNA position 2813, one base deleted (C; older notation c.2813delC).
Protein change: p.Pro938fs; shifts the reading frame from proline 938.
Molecular consequence: frameshift variant.
Genome position (GRCh38, 1-based): chr12:47,978,679, G deleted on the plus strand (C on the coding strand, the reverse complement: COL2A1 is on the minus strand); the first of 6 consecutive G bases (chr12:47,978,679-47,978,684); deleting any one gives the same sequence. VCF-style (leftmost placement, unchanged base first): chr12-47978678-AG-A. GRCh37 (hg19) VCF-style: chr12-48372461-AG-A.
Other names: c.2606del, p.Pro869fs (NM_033150.3); short protein forms P869fs, P938fs.
Identifiers: ClinVar variation 265430 (VCV000265430.9), dbSNP rs886039543, ClinGen allele CA10588550.
Genomic context (GRCh38, chr12:47,978,678, plus strand): 5'-CTCTCCCTTCTCGCCAGGGGGTCCAGCAGGACCTTGGAGGCCGGGTTCACCAGCTCGGCC[AG>A]GGGGGCCGCTGTCTCCTCGAGCACCTTTGGGACCATCTTTTCCAGAAGGACCAGGGGGAC-3'